The following is an entry in ClinVar:

ClinVar aggregate classification (germline): Uncertain significance (1 of 4 stars; one submission).

Submission:

GeneDx
Classification: Uncertain significance. Last evaluated: 2021-01-08. Review status: criteria provided, single submitter. Criteria: GeneDx Variant Classification Process June 2021. Collection method: clinical testing. Allele origin: germline. Affected: yes.
Comment: Not observed in large population cohorts (Lek et al., 2016); In silico analysis supports that this missense variant does not alter protein structure/function; Has not been previously published as pathogenic or benign to our knowledge

NM_002180.3(IGHMBP2):c.2609A>C (p.Lys870Thr)

Gene: IGHMBP2 (immunoglobulin mu DNA binding protein 2; plus strand). Cytogenetic location: 11q13.3.
Variant type: single nucleotide variant.
Coding change: c.2609A>C on transcript NM_002180.3 (MANE Select); coding-DNA position 2609, A replaced by C.
Protein change: p.Lys870Thr; replaces lysine 870 with threonine.
Molecular consequence: missense variant.
Genome position (GRCh38, 1-based): chr11:68,937,089, A>C. VCF-style: chr11-68937089-A-C. GRCh37 (hg19) VCF-style: chr11-68704557-A-C.
Other names: short protein forms K870T.
Identifiers: ClinVar variation 1302377 (VCV001302377.2), dbSNP rs2154008963, ClinGen allele CA381654167.